The following is an entry in ClinVar:

ClinVar aggregate classification (germline): Uncertain significance (1 of 4 stars; one submission).

gnomAD v4.1: 13 of 1,613,106 alleles (0.00081%); highest among the groups gnomAD compares: Non-Finnish European, 0.001%; no homozygotes.

Submission:

Women's Health and Genetics/Laboratory Corporation of America, LabCorp
Classification: Uncertain significance. Last evaluated: 2025-07-07. Review status: criteria provided, single submitter. Criteria: LabCorp Variant Classification Summary - May 2015. Collection method: clinical testing. Allele origin: germline.
Comment: Variant summary: CLCN2 c.1662C>A (p.Asp554Glu) results in a conservative amino acid change in the encoded protein sequence. Algorithms developed to predict the effect of missense changes on protein structure and function are either unavailable or do not agree on the potential impact of this missense change. The variant allele was found at a frequency of 2.4e-05 in 250978 control chromosomes. The available data on variant occurrences in the general population are insufficient to allow any conclusion about variant significance. To our knowledge, no occurrence of c.1662C>A in individuals affected with CLCN2-Related Disorders and no experimental evidence demonstrating its impact on protein function have been reported. No submitters have cited clinical-significance assessments for this variant to ClinVar. Based on the evidence outlined above, the variant was classified as uncertain significance.

NM_004366.6(CLCN2):c.1662C>A (p.Asp554Glu)

Gene: CLCN2 (chloride voltage-gated channel 2; minus strand). Cytogenetic location: 3q27.1.
Variant type: single nucleotide variant.
Coding change: c.1662C>A on transcript NM_004366.6 (MANE Select); coding-DNA position 1662, C replaced by A.
Protein change: p.Asp554Glu; replaces aspartic acid 554 with glutamic acid.
Molecular consequence: missense variant.
Genome position (GRCh38, 1-based): chr3:184,354,160, G>T on the plus strand (C>A on the coding strand, the complement: CLCN2 is on the minus strand). VCF-style: chr3-184354160-G-T. GRCh37 (hg19) VCF-style: chr3-184071948-G-T.
Other names: c.1611C>A, p.Asp537Glu (NM_001171087.3); c.1530C>A, p.Asp510Glu (NM_001171088.3); c.1662C>A, p.Asp554Glu (NM_001171089.3); short protein forms D510E, D537E, D554E.
Identifiers: ClinVar variation 4526107 (VCV004526107.1).